The following is an entry in ClinVar:

ClinVar aggregate classification (germline): Likely benign (1 of 4 stars; one submission).

Submission:

Mayo Clinic Laboratories, Mayo Clinic
Classification: Likely benign. Last evaluated: 2025-09-09. Review status: criteria provided, single submitter. Criteria: ACMG Guidelines, 2015. Collection method: clinical testing. Allele origin: germline. Observed: 1 variant allele.
Comment: BP4, BP7, PM2_supporting

NM_000181.4(GUSB):c.1686G>A (p.Gln562=)

Gene: GUSB (glucuronidase beta; minus strand). Cytogenetic location: 7q11.21.
Variant type: single nucleotide variant.
Coding change: c.1686G>A on transcript NM_000181.4 (MANE Select); coding-DNA position 1686, G replaced by A.
Protein change: p.Gln562=; no amino-acid change (glutamine 562 retained).
Molecular consequence: synonymous variant. On other transcripts: non-coding transcript variant (1).
Genome position (GRCh38, 1-based): chr7:65,964,426, C>T on the plus strand (G>A on the coding strand, the complement: GUSB is on the minus strand). VCF-style: chr7-65964426-C-T. GRCh37 (hg19) VCF-style: chr7-65429413-C-T.
Other names: p.Gln562=; c.1248G>A, p.Gln416= (NM_001284290.2); c.1116G>A, p.Gln372= (NM_001293104.2); c.1029G>A, p.Gln343= (NM_001293105.2).
Identifiers: ClinVar variation 4683270 (VCV004683270.1).